The following is an entry in ClinVar:

ClinVar aggregate classification (germline): Uncertain significance (1 of 4 stars; one submission).

Conditions:
Hereditary nonpolyposis colorectal neoplasms. Identifiers: MedGen C0009405, MeSH D003123.

Submission:

Labcorp Genetics (formerly Invitae), Labcorp
Classification: Uncertain significance for Hereditary nonpolyposis colorectal neoplasms. Last evaluated: 2020-01-17. Review status: criteria provided, single submitter. Criteria: Invitae Variant Classification Sherloc (09022015). Collection method: clinical testing. Allele origin: germline.
Comment: In summary, the available evidence is currently insufficient to determine the role of this variant in disease. Therefore, it has been classified as a Variant of Uncertain Significance. Algorithms developed to predict the effect of missense changes on protein structure and function are either unavailable or do not agree on the potential impact of this missense change (SIFT: "Deleterious"; PolyPhen-2: "Possibly Damaging"; Align-GVGD: "Class C0"). This variant has not been reported in the literature in individuals with PMS2-related conditions. ClinVar contains an entry for this variant (Variation ID: 455702). The frequency data for this variant in the population databases (ExAC) is considered unreliable due to the presence of homologous sequence, such as pseudogenes or paralogs, in the genome. This sequence change replaces aspartic acid with glycine at codon 838 of the PMS2 protein (p.Asp838Gly). The aspartic acid residue is weakly conserved and there is a moderate physicochemical difference between aspartic acid and glycine.

NM_000535.7(PMS2):c.2513A>G (p.Asp838Gly)

Gene: PMS2 (PMS1 homolog 2, mismatch repair system component; minus strand). Cytogenetic location: 7p22.1.
Variant type: single nucleotide variant.
Coding change: c.2513A>G on transcript NM_000535.7 (MANE Select); coding-DNA position 2513, A replaced by G.
Protein change: p.Asp838Gly; replaces aspartic acid 838 with glycine.
Molecular consequence: missense variant. On other transcripts: non-coding transcript variant (1).
Genome position (GRCh38, 1-based): chr7:5,973,475, T>C on the plus strand (A>G on the coding strand, the complement: PMS2 is on the minus strand). VCF-style: chr7-5973475-T-C. GRCh37 (hg19) VCF-style: chr7-6013106-T-C.
Other names: c.2108A>G, p.Asp703Gly (NM_001322003.2, NM_001322004.2, NM_001322005.2); c.2357A>G, p.Asp786Gly (NM_001322006.2); c.2195A>G, p.Asp732Gly (NM_001322007.2, NM_001322008.2); c.2141A>G, p.Asp714Gly (NM_001322009.2); c.1952A>G, p.Asp651Gly (NM_001322010.2); c.1580A>G, p.Asp527Gly (NM_001322011.2, NM_001322012.2); c.1940A>G, p.Asp647Gly (NM_001322013.2); c.2546A>G, p.Asp849Gly (NM_001322014.2); and 1 more; short protein forms D838G, D527G, D651G, D703G, D735G, D786G, D647G, D714G.
Identifiers: ClinVar variation 455702 (VCV000455702.8), dbSNP rs1029895711, ClinGen allele CA366734896.